The following is an entry in ClinVar:

NM_001098484.3(SLC4A4):c.2694+10T>A

Gene: SLC4A4 (solute carrier family 4 member 4; plus strand). Cytogenetic location: 4q13.3.
Variant type: single nucleotide variant.
Coding change: c.2694+10T>A on transcript NM_001098484.3 (MANE Select); 10 bases into the intron after coding-DNA position 2694, T replaced by A.
Molecular consequence: intron variant.
Genome position (GRCh38, 1-based): chr4:71,547,730, T>A. VCF-style: chr4-71547730-T-A. GRCh37 (hg19) VCF-style: chr4-72413447-T-A.
Other names: c.2694+10T>A (NM_001134742.2); c.2562+10T>A (NM_003759.4).
Identifiers: ClinVar variation 349554 (VCV000349554.10), dbSNP rs779558159, ClinGen allele CA2955173.
Genomic context (GRCh38, chr4:71,547,730, plus strand): 5'-CTTGTGTTTATTCTGACTGGTCTGTCAGTCTTTATGGCTCCCATCTTGAAGGTAAATATG[T>A]GAAACATTCACCTCTTCCTTCTCAGAACACTGACATATAATTGGACATGTGAAGAGTGAA-3'

ClinVar aggregate classification (germline): Conflicting classifications of pathogenicity. Review status: criteria provided, conflicting classifications (1 of 4 stars). 3 submissions from 3 submitters: Uncertain significance (1); Likely benign (1). 1 of the submissions does not count toward it. Last evaluated 2024-11-18.

Conditions:
Autosomal recessive proximal renal tubular acidosis (PRTAO). Also called: RTA, PROXIMAL, AUTOSOMAL RECESSIVE; RENAL TUBULAR ACIDOSIS, PROXIMAL, WITH OCULAR ABNORMALITIES AND MENTAL RETARDATION; RENAL TUBULAR ACIDOSIS, PROXIMAL, WITH OCULAR ABNORMALITIES AND IMPAIRED INTELLECTUAL DEVELOPMENT; PROXIMAL RENAL TUBULAR ACIDOSIS-OCULAR ANOMALY SYNDROME. Identifiers: Orphanet 93607, MedGen C1970309, MONDO:0011422, OMIM 604278.
SLC4A4-related disorder. Also called: SLC4A4-related condition.

Allele frequency attached by ClinVar (database versions not stated): gnomAD 0.00004 and 0.00006; ExAC 0.00008; gnomAD exomes 0.00008; TOPMed 0.00008.
gnomAD v4.1: 127 of 1,601,432 alleles (0.0079%); highest among the groups gnomAD compares: Middle Eastern, 0.13%; no homozygotes.

Submissions (3):

Labcorp Genetics (formerly Invitae), Labcorp
Classification: Likely benign. Last evaluated: 2024-11-18. Review status: criteria provided, single submitter. Criteria: Invitae Variant Classification Sherloc (09022015). Collection method: clinical testing. Allele origin: germline.

Illumina Laboratory Services, Illumina
Classification: Uncertain significance for Autosomal recessive proximal renal tubular acidosis. Last evaluated: 2018-01-13. Review status: criteria provided, single submitter. Criteria: ICSL Variant Classification Criteria 13 December 2019. Collection method: clinical testing. Allele origin: germline.

PreventionGenetics, part of Exact Sciences
Classification: Likely benign for SLC4A4-related condition. Last evaluated: 2019-04-11. Review status: no assertion criteria provided. Collection method: clinical testing. Allele origin: germline. Not counted in ClinVar's aggregate classification.
Comment: This variant is classified as likely benign based on ACMG/AMP sequence variant interpretation guidelines (Richards et al. 2015 PMID: 25741868, with internal and published modifications).